The following is an entry in ClinVar:

NM_001273.5(CHD4):c.3318A>G (p.Gln1106=)

Gene: CHD4 (chromodomain helicase DNA binding protein 4; minus strand). Cytogenetic location: 12p13.31.
Variant type: single nucleotide variant.
Coding change: c.3318A>G on transcript NM_001273.5 (MANE Select); coding-DNA position 3318, A replaced by G.
Protein change: p.Gln1106=; no amino-acid change (glutamine 1106 retained).
Molecular consequence: synonymous variant.
Genome position (GRCh38, 1-based): chr12:6,591,488, T>C on the plus strand (A>G on the coding strand, the complement: CHD4 is on the minus strand). VCF-style: chr12-6591488-T-C. GRCh37 (hg19) VCF-style: chr12-6700654-T-C.
Other names: c.3297A>G, p.Gln1099= (NM_001297553.2); c.3279A>G, p.Gln1093= (NM_001363606.2).
Identifiers: ClinVar variation 3608430 (VCV003608430.4).

ClinVar aggregate classification (germline): Likely benign. Review status: criteria provided, multiple submitters, no conflicts (2 of 4 stars). 2 submissions from 2 submitters: Likely benign (2). Last evaluated 2026-07-01.

gnomAD v4.1: 12 of 1,614,202 alleles (0.00074%); highest among the groups gnomAD compares: Admixed American, 0.005%; no homozygotes.

Submissions (2):

CeGaT Center for Human Genetics Tuebingen
Classification: Likely benign. Last evaluated: 2026-07-01. Review status: criteria provided, single submitter. Criteria: CeGaT Center For Human Genetics Tuebingen Variant Classification Criteria Version 2. Collection method: clinical testing. Allele origin: germline. Affected: yes. Observed: 1 variant allele.
Comment: CHD4: BP4, BP7

Labcorp Genetics (formerly Invitae), Labcorp
Classification: Likely benign. Last evaluated: 2025-05-18. Review status: criteria provided, single submitter. Criteria: Invitae Variant Classification Sherloc (09022015). Collection method: clinical testing. Allele origin: germline.